The following is an entry in ClinVar:

ClinVar aggregate classification (germline): Pathogenic (1 of 4 stars; one submission).

Conditions:
Congenital lactic acidosis, Saguenay-Lac-Saint-Jean type (MC4DN5). Also called: CYTOCHROME c OXIDASE DEFICIENCY, FRENCH CANADIAN TYPE; COX DEFICIENCY, FRENCH CANADIAN TYPE; MITOCHONDRIAL COMPLEX IV DEFICIENCY, NUCLEAR TYPE 5. Identifiers: Orphanet 70472, MedGen C1857355, MONDO:0009069, OMIM 220111.

Submission:

Myriad Genetics, Inc.
Classification: Pathogenic for Congenital lactic acidosis, Saguenay-Lac-Saint-Jean type. Last evaluated: 2023-09-27. Review status: criteria provided, single submitter. Criteria: Myriad Autosomal Dominant, Autosomal Recessive and X-Linked Classification Criteria (2023). Collection method: clinical testing. Allele origin: unknown.
Comment: NM_133259.3(LRPPRC):c.23dupC(R9Afs*69) is expected to be pathogenic in the context of Leigh syndrome, French-Canadian type. This variant is predicted to lead to an abnormal or absent protein product due to the creation of a premature termination codon in LRPPRC, a gene where loss-of-function variants are known to be pathogenic. Please note: this variant was assessed in the context of healthy population screening.

NM_133259.4(LRPPRC):c.23dup (p.Arg9fs)

Gene: LRPPRC (leucine rich pentatricopeptide repeat containing; minus strand). Cytogenetic location: 2p21.
Variant type: Duplication.
Coding change: c.23dup on transcript NM_133259.4 (MANE Select); coding-DNA position 23, one base duplicated (C; older notation c.23dupC).
Protein change: p.Arg9fs; shifts the reading frame from arginine 9.
Molecular consequence: frameshift variant.
Genome position (GRCh38, 1-based): chr2:43,995,925, G duplicated on the plus strand (C on the coding strand, the reverse complement: LRPPRC is on the minus strand). VCF-style (leftmost placement, unchanged base first): chr2-43995924-C-CG. GRCh37 (hg19) VCF-style: chr2-44223063-C-CG.
Other names: short protein forms R9fs.
Identifiers: ClinVar variation 5011943 (VCV005011943.1).
Genomic context (GRCh38, chr2:43,995,924, plus strand): 5'-AGGGAGGAGGCGCAGGGAGAGCGGGAGGCGCGGGGCCGCCCCGGCACGCAGCAACCAACG[C>CG]GCGGATCTCAGCAGGGCTGCCATTGCTCGAACGTCCCCGCAGCGGGAAGCACGCTCCGCC-3'